The following is an entry in ClinVar:

NM_033118.4(MYLK2):c.1609C>T (p.His537Tyr)

Gene: MYLK2 (myosin light chain kinase 2; plus strand). Cytogenetic location: 20q11.21.
Variant type: single nucleotide variant.
Coding change: c.1609C>T on transcript NM_033118.4 (MANE Select); coding-DNA position 1609, C replaced by T.
Protein change: p.His537Tyr; replaces histidine 537 with tyrosine.
Molecular consequence: missense variant.
Genome position (GRCh38, 1-based): chr20:31,832,035, C>T. VCF-style: chr20-31832035-C-T. GRCh37 (hg19) VCF-style: chr20-30419838-C-T.
Other names: short protein forms H537Y.
Identifiers: ClinVar variation 3664801 (VCV003664801.2).
Genomic context (GRCh38, chr20:31,832,035, plus strand): 5'-CCACCGTCACCATGCTGCCTCTCCCCCAGGGCCCGGATGAACGCTGCCCAGTGTCTCGCC[C>T]ATCCCTGGCTCAACAACCTGGCGGAGAAAGCCAAACGCTGTAACCGACGCCTTAAGTCCC-3'
Protein context (NP_149109.1, residues 527-547): ARMNAAQCLA[His537Tyr]PWLNNLAEKA

ClinVar aggregate classification (germline): Uncertain significance (1 of 4 stars; one submission).

Conditions:
Hypertrophic cardiomyopathy 1 (CMH1). Also called: MYH7-Related Familial Hypertrophic Cardiomyopathy; Familial hypertrophic cardiomyopathy 1. Identifiers: MedGen C3495498, MONDO:0008647, OMIM 192600.

Submission:

Labcorp Genetics (formerly Invitae), Labcorp
Classification: Uncertain significance for Hypertrophic cardiomyopathy 1. Last evaluated: 2025-02-02. Review status: criteria provided, single submitter. Criteria: Invitae Variant Classification Sherloc (09022015). Collection method: clinical testing. Allele origin: germline.
Comment: This sequence change replaces histidine, which is basic and polar, with tyrosine, which is neutral and polar, at codon 537 of the MYLK2 protein (p.His537Tyr). This variant is not present in population databases (gnomAD no frequency). This variant has not been reported in the literature in individuals affected with MYLK2-related conditions. Invitae Evidence Modeling of protein sequence and biophysical properties (such as structural, functional, and spatial information, amino acid conservation, physicochemical variation, residue mobility, and thermodynamic stability) indicates that this missense variant is expected to disrupt MYLK2 protein function with a positive predictive value of 80%. In summary, the available evidence is currently insufficient to determine the role of this variant in disease. Therefore, it has been classified as a Variant of Uncertain Significance.